The following is an entry in ClinVar:

NM_032861.4(SERAC1):c.734A>G (p.Gln245Arg)

Gene: SERAC1 (serine active site containing 1; minus strand). Cytogenetic location: 6q25.3.
Variant type: single nucleotide variant.
Coding change: c.734A>G on transcript NM_032861.4 (MANE Select); coding-DNA position 734, A replaced by G.
Protein change: p.Gln245Arg; replaces glutamine 245 with arginine.
Molecular consequence: missense variant. On other transcripts: non-coding transcript variant (1).
Genome position (GRCh38, 1-based): chr6:158,143,060, T>C on the plus strand (A>G on the coding strand, the complement: SERAC1 is on the minus strand). VCF-style: chr6-158143060-T-C. GRCh37 (hg19) VCF-style: chr6-158564092-T-C.
Other names: short protein forms Q245R.
Identifiers: ClinVar variation 2202623 (VCV002202623.4), dbSNP rs1487288894, ClinGen allele CA366262765.

ClinVar aggregate classification (germline): Uncertain significance. Review status: criteria provided, multiple submitters, no conflicts (2 of 4 stars). 2 submissions from 2 submitters: Uncertain significance (2). Last evaluated 2024-08-06.

Conditions:
3-methylglutaconic aciduria with deafness, encephalopathy, and Leigh-like syndrome (MEGDEL). Also called: SERAC1 Deficiency; 3-METHYLGLUTACONIC ACIDURIA, TYPE VI; MEGDEL syndrome. Identifiers: Orphanet 352328, MedGen C4040739, MONDO:0013875, OMIM 614739.

Allele frequency attached by ClinVar (database versions not stated): gnomAD exomes below 0.00001; TOPMed below 0.00001; gnomAD 0.00001.
gnomAD v4.1: 3 of 1,608,940 alleles (0.00019%); highest among the groups gnomAD compares: Non-Finnish European, 0.00025%; no homozygotes.

Submissions (2):

Blueprint Genetics
Classification: Uncertain significance. Last evaluated: 2024-08-06. Review status: criteria provided, single submitter. Criteria: ACMG Guidelines, 2015. Collection method: clinical testing. Allele origin: germline.

Labcorp Genetics (formerly Invitae), Labcorp
Classification: Uncertain significance for 3-methylglutaconic aciduria with deafness, encephalopathy, and Leigh-like syndrome. Last evaluated: 2022-05-17. Review status: criteria provided, single submitter. Criteria: Invitae Variant Classification Sherloc (09022015). Collection method: clinical testing. Allele origin: germline.
Comment: In summary, the available evidence is currently insufficient to determine the role of this variant in disease. Therefore, it has been classified as a Variant of Uncertain Significance. Algorithms developed to predict the effect of missense changes on protein structure and function are either unavailable or do not agree on the potential impact of this missense change (SIFT: "Deleterious"; PolyPhen-2: "Possibly Damaging"; Align-GVGD: "Class C0"). This variant has not been reported in the literature in individuals affected with SERAC1-related conditions. This variant is not present in population databases (gnomAD no frequency). This sequence change replaces glutamine, which is neutral and polar, with arginine, which is basic and polar, at codon 245 of the SERAC1 protein (p.Gln245Arg).